The following is an entry in ClinVar:

NM_138694.4(PKHD1):c.514_515delinsT (p.Glu172fs)

Gene: PKHD1 (PKHD1 ciliary IPT domain containing fibrocystin/polyductin; minus strand). Cytogenetic location: 6p12.2.
Variant type: Indel.
Coding change: c.514_515delinsT on transcript NM_138694.4 (MANE Select); coding-DNA positions 514 to 515, GA replaced by T.
Protein change: p.Glu172fs; shifts the reading frame from glutamic acid 172.
Molecular consequence: frameshift variant.
Genome position (GRCh38, 1-based): chr6:52,073,475-52,073,476, TC replaced by A on the plus strand (GA replaced by T on the coding strand, the reverse complement: PKHD1 is on the minus strand). VCF-style: chr6-52073475-TC-A. GRCh37 (hg19) VCF-style: chr6-51938273-TC-A.
Other names: c.514_515delinsT, p.Glu172fs (NM_170724.3); short protein forms E172fs.
Identifiers: ClinVar variation 1726633 (VCV001726633.2), dbSNP rs2533628248, ClinGen allele CA2580075534.
Genomic context (GRCh38, chr6:52,073,475, plus strand): 5'-TGCAGCATGTATGTAACTAGTTAAACACAAAAACAAACACACACTTACCTATCAATGTAC[TC>A]AGCATCAAAATCAAAAGTTTCCAATCTTCCAGTGATAATCCAGCCATATACATGTATTAG-3'

ClinVar aggregate classification (germline): Likely pathogenic (1 of 4 stars; one submission).

Conditions:
Polycystic kidney disease 4 (PKD4). Also called: POLYCYSTIC KIDNEY AND HEPATIC DISEASE 1; POLYCYSTIC KIDNEY DISEASE, INFANTILE, TYPE I; POLYCYSTIC KIDNEY DISEASE 4 WITH OR WITHOUT POLYCYSTIC LIVER DISEASE; PKD3; Autosomal Recessive Polycystic Kidney Disease – PKHD1. Identifiers: MedGen C4540575, MONDO:0033004, OMIM 263200.

Submission:

Myriad Genetics, Inc.
Classification: Likely pathogenic for Polycystic kidney disease 4. Last evaluated: 2021-12-29. Review status: criteria provided, single submitter. Criteria: Myriad Women's Health Autosomal Recessive and X-Linked Classification Criteria (2021). Collection method: clinical testing. Allele origin: unknown.
Comment: NM_138694.3(PKHD1):c.514_515delGAinsT(E172Cfs*7) is expected to be pathogenic in the context of autosomal recessive polycystic kidney disease, PKHD1-related. This variant is predicted to lead to an abnormal or absent protein product due to the creation of a premature termination codon in PKHD1, a gene where loss-of-function variants are known to be pathogenic. Please note: this variant was assessed in the context of healthy population screening.